The following is an entry in ClinVar:

NM_198859.4(PRICKLE2):c.98C>T (p.Ala33Val)

Genes: PRICKLE2 (prickle planar cell polarity protein 2; minus strand), PRICKLE2-AS3 (PRICKLE2 antisense RNA 3; plus strand). Cytogenetic location: 3p14.1.
Variant type: single nucleotide variant.
Coding change: c.98C>T on transcript NM_198859.4 (MANE Select); coding-DNA position 98, C replaced by T.
Protein change: p.Ala33Val; replaces alanine 33 with valine.
Molecular consequence: missense variant. On other transcripts: non-coding transcript variant (1).
Genome position (GRCh38, 1-based): chr3:64,198,830, G>A on the plus strand (C>T on the coding strand, the complement: PRICKLE2 is on the minus strand). VCF-style: chr3-64198830-G-A. GRCh37 (hg19) VCF-style: chr3-64184506-G-A.
Other names: c.98C>T, p.Ala33Val (NM_001370528.1); short protein forms A33V.
Identifiers: ClinVar variation 1714443 (VCV001714443.6), dbSNP rs2078512537, ClinGen allele CA353540986.

ClinVar aggregate classification (germline): Uncertain significance (1 of 4 stars; one submission).

Conditions:
Progressive myoclonic epilepsy type 5. Identifiers: Orphanet 402082, MedGen C5190799.

Submission:

Labcorp Genetics (formerly Invitae), Labcorp
Classification: Uncertain significance for Progressive myoclonic epilepsy type 5. Last evaluated: 2022-07-30. Review status: criteria provided, single submitter. Criteria: Invitae Variant Classification Sherloc (09022015). Collection method: clinical testing. Allele origin: germline.
Comment: This sequence change replaces alanine, which is neutral and non-polar, with valine, which is neutral and non-polar, at codon 33 of the PRICKLE2 protein (p.Ala33Val). This variant is not present in population databases (gnomAD no frequency). This variant has not been reported in the literature in individuals affected with PRICKLE2-related conditions. Algorithms developed to predict the effect of missense changes on protein structure and function are either unavailable or do not agree on the potential impact of this missense change (SIFT: "Deleterious"; PolyPhen-2: "Possibly Damaging"; Align-GVGD: "Class C0"). In summary, the available evidence is currently insufficient to determine the role of this variant in disease. Therefore, it has been classified as a Variant of Uncertain Significance.